The following is an entry in ClinVar:

NM_015662.3(IFT172):c.1108G>A (p.Val370Met)

Gene: IFT172 (intraflagellar transport 172; minus strand). Cytogenetic location: 2p23.3.
Variant type: single nucleotide variant.
Coding change: c.1108G>A on transcript NM_015662.3 (MANE Select); coding-DNA position 1108, G replaced by A.
Protein change: p.Val370Met; replaces valine 370 with methionine.
Molecular consequence: missense variant.
Genome position (GRCh38, 1-based): chr2:27,478,054, C>T on the plus strand (G>A on the coding strand, the complement: IFT172 is on the minus strand). VCF-style: chr2-27478054-C-T. GRCh37 (hg19) VCF-style: chr2-27700921-C-T.
Other names: c.1108G>A (NM_015662.1); short protein forms V370M.
Identifiers: ClinVar variation 1422116 (VCV001422116.7), dbSNP rs1186256423, ClinGen allele CA346395078.

ClinVar aggregate classification (germline): Uncertain significance. Review status: criteria provided, multiple submitters, no conflicts (2 of 4 stars). 2 submissions from 2 submitters: Uncertain significance (2). Last evaluated 2025-09-26.

Conditions:
Short-rib thoracic dysplasia 10 with or without polydactyly (SRTD10). Identifiers: Orphanet 474, MedGen C3810175, MONDO:0014284, OMIM 615630.
Retinitis pigmentosa 71 (RP71). Identifiers: Orphanet 791, MedGen C4225342, MONDO:0014618, OMIM 616394.
Inborn genetic diseases. Identifiers: MedGen C0950123, MeSH D030342.

Allele frequency attached by ClinVar (database versions not stated): gnomAD 0.00001; TOPMed 0.00001.
gnomAD v4.1: 12 of 1,614,076 alleles (0.00074%); highest among the groups gnomAD compares: African/African-American, 0.0027%; no homozygotes.

Submissions (2):

Ambry Genetics
Classification: Uncertain significance for Inborn genetic diseases. Last evaluated: 2025-09-26. Review status: criteria provided, single submitter. Criteria: Ambry Variant Classification Scheme 2023. Collection method: clinical testing. Allele origin: germline.

Labcorp Genetics (formerly Invitae), Labcorp
Classification: Uncertain significance for Retinitis pigmentosa 71; Short-rib thoracic dysplasia 10 with or without polydactyly. Last evaluated: 2022-11-22. Review status: criteria provided, single submitter. Criteria: Invitae Variant Classification Sherloc (09022015). Collection method: clinical testing. Allele origin: germline.
Comment: This sequence change replaces valine, which is neutral and non-polar, with methionine, which is neutral and non-polar, at codon 370 of the IFT172 protein (p.Val370Met). This variant is present in population databases (no rsID available, gnomAD 0.0009%). This variant has not been reported in the literature in individuals affected with IFT172-related conditions. ClinVar contains an entry for this variant (Variation ID: 1422116). Advanced modeling of protein sequence and biophysical properties (such as structural, functional, and spatial information, amino acid conservation, physicochemical variation, residue mobility, and thermodynamic stability) performed at Invitae indicates that this missense variant is not expected to disrupt IFT172 protein function. In summary, the available evidence is currently insufficient to determine the role of this variant in disease. Therefore, it has been classified as a Variant of Uncertain Significance.